The following is an entry in ClinVar:

ClinVar aggregate classification (germline): Uncertain significance. Review status: criteria provided, single submitter (1 of 4 stars). 2 submissions from 2 submitters: Uncertain significance (1). 1 of the submissions does not count toward it. Last evaluated 2024-07-23.

Conditions:
ATP1A3-related disorder. Also called: ATP1A3-related condition; ATP1A3-related disorders. Identifiers: MedGen CN381097.

Submissions (2):

GeneDx
Classification: Uncertain significance. Last evaluated: 2024-07-23. Review status: criteria provided, single submitter. Criteria: GeneDx Variant Classification Process June 2021. Collection method: clinical testing. Allele origin: germline. Affected: yes.
Comment: Not observed at significant frequency in large population cohorts (gnomAD); Frameshift variant predicted to result in protein truncation or nonsense mediated decay in a gene or region of a gene for which loss of function is not a well-established mechanism of disease; Has not been previously published as pathogenic or benign to our knowledge

PreventionGenetics, part of Exact Sciences
Classification: Likely pathogenic for ATP1A3-related condition. Last evaluated: 2024-02-12. Review status: no assertion criteria provided. Collection method: clinical testing. Allele origin: germline. Not counted in ClinVar's aggregate classification.
Comment: The ATP1A3 c.1618_1621delGCCT variant is predicted to result in a frameshift and premature protein termination (p.Ala540Serfs*39). To our knowledge, this variant has not been reported in the literature or in a large population database, indicating this variant is rare. Frameshift variants in ATP1A3 are expected to be pathogenic. This variant is interpreted as likely pathogenic.

NM_152296.5(ATP1A3):c.1579_1582del (p.Ala527fs)

Gene: ATP1A3 (ATPase Na+/K+ transporting subunit alpha 3; minus strand). Cytogenetic location: 19q13.2.
Variant type: Deletion.
Coding change: c.1579_1582del on transcript NM_152296.5 (MANE Select); coding-DNA positions 1579 to 1582, 4 bases deleted (GCCT; older notation c.1579_1582delGCCT).
Protein change: p.Ala527fs; shifts the reading frame from alanine 527.
Molecular consequence: frameshift variant.
Genome position (GRCh38, 1-based): chr19:41,978,654-41,978,657, AGGC deleted on the plus strand (GCCT on the coding strand, the reverse complement: ATP1A3 is on the minus strand). VCF-style (leftmost placement, unchanged base first): chr19-41978653-AAGGC-A. GRCh37 (hg19) VCF-style: chr19-42482805-AAGGC-A.
Other names: c.1579_1582del (NM_152296.4); c.1612_1615del, p.Ala538fs (NM_001256213.2); c.1618_1621del, p.Ala540fs (NM_001256214.2); short protein forms A527fs, A538fs, A540fs.
Identifiers: ClinVar variation 3061309 (VCV003061309.3), dbSNP rs2514056392, ClinGen allele CA2740096919.